The following is an entry in ClinVar:

ClinVar aggregate classification (germline): Benign (1 of 4 stars; one submission).

Conditions:
Landau-Kleffner syndrome (FESD). Also called: EPILEPSY, FOCAL, WITH SPEECH DISORDER AND WITH OR WITHOUT MENTAL RETARDATION; APHASIA, ACQUIRED, WITH EPILEPSY. Identifiers: Orphanet 1945, Orphanet 725, Orphanet 98818, MedGen C0282512, MONDO:0009509, OMIM 245570.

Allele frequency attached by ClinVar (database versions not stated): 1000 Genomes Project 0.01278; 1000 Genomes Project 30x 0.01218.
gnomAD v4.1: 3,560 of 224,610 alleles (1.6%); highest among the groups gnomAD compares: South Asian, 3.9%; 61 homozygotes.

Submission:

Illumina Laboratory Services, Illumina
Classification: Benign for Landau-Kleffner syndrome. Last evaluated: 2018-01-13. Review status: criteria provided, single submitter. Criteria: ICSL Variant Classification Criteria 13 December 2019. Collection method: clinical testing. Allele origin: germline.
Comment: This variant was observed in the ICSL laboratory as part of a predisposition screen in an ostensibly healthy population. It had not been previously curated by ICSL or reported in the Human Gene Mutation Database (HGMD: prior to June 1st, 2018), and was therefore a candidate for classification through an automated scoring system. Utilizing variant allele frequency, disease prevalence and penetrance estimates, and inheritance mode, an automated score was calculated to assess if this variant is too frequent to cause the disease. Based on the score and internal cut-off values, a variant classified as benign is not then subjected to further curation. The score for this variant resulted in a classification of benign for this disease.

NM_001134407.3(GRIN2A):c.*3753C>G

Gene: GRIN2A (glutamate ionotropic receptor NMDA type subunit 2A; minus strand). Cytogenetic location: 16p13.2.
Variant type: single nucleotide variant.
Coding change: c.*3753C>G on transcript NM_001134407.3 (MANE Select); 3753 bases downstream of the stop codon, C replaced by G.
Molecular consequence: 3 prime UTR variant.
Genome position (GRCh38, 1-based): chr16:9,759,396, G>C on the plus strand (C>G on the coding strand, the complement: GRIN2A is on the minus strand). VCF-style: chr16-9759396-G-C. GRCh37 (hg19) VCF-style: chr16-9853253-G-C.
Other names: c.*3753C>G (NM_000833.5); c.*3959C>G (NM_001134408.2).
Identifiers: ClinVar variation 321546 (VCV000321546.5), dbSNP rs78426284, ClinGen allele CA10644752.
Genomic context (GRCh38, chr16:9,759,396, plus strand): 5'-ATTCAGGGCATTTGTCATTTCCTGTGAAGGATGCAGAATATTAAATACACATCAGTGGTC[G>C]ACATAGCAAATAGAATAAACAATGTGTGACTATATGACAGCTGTGGATCTTTTGACTAAT-3'